The following is an entry in ClinVar:

ClinVar aggregate classification (germline): Uncertain significance. Review status: criteria provided, multiple submitters, no conflicts (2 of 4 stars). 2 submissions from 2 submitters: Uncertain significance (2). Last evaluated 2022-12-05.

Conditions:
Inborn genetic diseases. Identifiers: MedGen C0950123, MeSH D030342.
Adams-Oliver syndrome 4 (AOS4). Identifiers: Orphanet 974, MedGen C3809092, MONDO:0014124, OMIM 615297.

Allele frequency attached by ClinVar (database versions not stated): gnomAD 0.00002; gnomAD exomes 0.00003; ExAC 0.00010; 1000 Genomes Project 30x 0.00016; 1000 Genomes Project 0.00020.
gnomAD v4.1: 47 of 1,609,442 alleles (0.0029%); highest among the groups gnomAD compares: South Asian, 0.05%; no homozygotes.

Submissions (2):

Ambry Genetics
Classification: Uncertain significance for Inborn genetic diseases. Last evaluated: 2022-12-05. Review status: criteria provided, single submitter. Criteria: Ambry Variant Classification Scheme 2023. Collection method: clinical testing. Allele origin: germline.

Labcorp Genetics (formerly Invitae), Labcorp
Classification: Uncertain significance for Adams-Oliver syndrome 4. Last evaluated: 2022-06-10. Review status: criteria provided, single submitter. Criteria: Invitae Variant Classification Sherloc (09022015). Collection method: clinical testing. Allele origin: germline.
Comment: In summary, the available evidence is currently insufficient to determine the role of this variant in disease. Therefore, it has been classified as a Variant of Uncertain Significance. Algorithms developed to predict the effect of missense changes on protein structure and function are either unavailable or do not agree on the potential impact of this missense change (SIFT: "Tolerated"; PolyPhen-2: "Possibly Damaging"; Align-GVGD: "Class C0"). This variant has not been reported in the literature in individuals affected with EOGT-related conditions. This variant is present in population databases (rs527256891, gnomAD 0.07%). This sequence change replaces histidine, which is basic and polar, with arginine, which is basic and polar, at codon 397 of the EOGT protein (p.His397Arg).

NM_001278689.2(EOGT):c.1442A>G (p.His481Arg)

Gene: EOGT (EGF domain specific O-linked N-acetylglucosamine transferase; minus strand). Cytogenetic location: 3p14.1.
Variant type: single nucleotide variant.
Coding change: c.1442A>G on transcript NM_001278689.2 (MANE Select); coding-DNA position 1442, A replaced by G.
Protein change: p.His481Arg; replaces histidine 481 with arginine.
Molecular consequence: missense variant. On other transcripts: non-coding transcript variant (1).
Genome position (GRCh38, 1-based): chr3:68,977,760, T>C on the plus strand (A>G on the coding strand, the complement: EOGT is on the minus strand). VCF-style: chr3-68977760-T-C. GRCh37 (hg19) VCF-style: chr3-69026911-T-C.
Other names: c.1190A>G (NM_173654.1); c.1190A>G, p.His397Arg (NM_173654.3); short protein forms H481R, H397R.
Identifiers: ClinVar variation 2166761 (VCV002166761.5), dbSNP rs527256891, ClinGen allele CA2486573.